The following is an entry in ClinVar:

NM_002913.5(RFC1):c.610G>A (p.Ala204Thr)

Gene: RFC1 (replication factor C subunit 1; minus strand). Cytogenetic location: 4p14.
Variant type: single nucleotide variant.
Coding change: c.610G>A on transcript NM_002913.5 (MANE Select); coding-DNA position 610, G replaced by A.
Protein change: p.Ala204Thr; replaces alanine 204 with threonine.
Molecular consequence: missense variant.
Genome position (GRCh38, 1-based): chr4:39,326,595, C>T on the plus strand (G>A on the coding strand, the complement: RFC1 is on the minus strand). VCF-style: chr4-39326595-C-T. GRCh37 (hg19) VCF-style: chr4-39328215-C-T.
Other names: c.610G>A, p.Ala204Thr (NM_001204747.2, NM_001363495.2, NM_001363496.2); short protein forms A204T.
Identifiers: ClinVar variation 2362272 (VCV002362272.3), dbSNP rs376166947, ClinGen allele CA2893376.

ClinVar aggregate classification (germline): Uncertain significance. Review status: criteria provided, multiple submitters, no conflicts (2 of 4 stars). 2 submissions from 2 submitters: Uncertain significance (2). Last evaluated 2025-04-28.

Conditions:
Inborn genetic diseases. Identifiers: MedGen C0950123, MeSH D030342.

Allele frequency attached by ClinVar (database versions not stated): gnomAD exomes 0.00004; gnomAD 0.00007; ESP Exome Variant Server 0.00008; ExAC 0.00015; TOPMed 0.00017.
gnomAD v4.1: 70 of 1,612,794 alleles (0.0043%); highest among the groups gnomAD compares: Admixed American, 0.082%; no homozygotes.

Submissions (2):

GeneDx
Classification: Uncertain significance. Last evaluated: 2025-04-28. Review status: criteria provided, single submitter. Criteria: GeneDx Variant Classification Process June 2021. Collection method: clinical testing. Allele origin: germline. Affected: yes.
Comment: In silico analysis indicates that this missense variant does not alter protein structure/function; Has not been previously published as pathogenic or benign to our knowledge

Ambry Genetics
Classification: Uncertain significance for Inborn genetic diseases. Last evaluated: 2021-08-12. Review status: criteria provided, single submitter. Criteria: Ambry Variant Classification Scheme 2023. Collection method: clinical testing. Allele origin: germline.